The following is an entry in ClinVar:

ClinVar aggregate classification (germline): Uncertain significance (1 of 4 stars; one submission).

Conditions:
Congenital portosystemic shunt. Identifiers: Orphanet 480531, MedGen C1290495, MONDO:0018811.

gnomAD v4.1: 35 of 1,428,416 alleles (0.0025%); highest among the groups gnomAD compares: East Asian, 0.093%; no homozygotes.

Submission:

Department of Pediatrics, Graduate School of Medical Sciences, Kyushu University
Classification: Uncertain significance for Congenital portosystemic shunt. Last evaluated: 2026-02-27. Review status: criteria provided, single submitter. Criteria: ACMG Guidelines, 2015. Collection method: research. Allele origin: germline. Affected: yes.
Comment: Both variants are rare or absent in population databases such as gnomAD, and in silico prediction tools including CADD suggest potential deleterious effects. However, the relationship between this gene and CPSS has not been established. Therefore, the clinical significance of this variant is currently classified as a variant of uncertain significance (VUS).

NM_032827.7(ATOH8):c.320C>T (p.Ala107Val)

Gene: ATOH8 (atonal bHLH transcription factor 8; plus strand). Cytogenetic location: 2p11.2.
Variant type: single nucleotide variant.
Coding change: c.320C>T on transcript NM_032827.7 (MANE Select); coding-DNA position 320, C replaced by T.
Protein change: p.Ala107Val; replaces alanine 107 with valine.
Molecular consequence: missense variant.
Genome position (GRCh38, 1-based): chr2:85,754,509, C>T. VCF-style: chr2-85754509-C-T. GRCh37 (hg19) VCF-style: chr2-85981632-C-T.
Other names: short protein forms A107V.
Identifiers: ClinVar variation 4813091 (VCV004813091.1).